The following is an entry in ClinVar:

NM_003183.6(ADAM17):c.2300G>A (p.Ser767Asn)

Genes: ADAM17 (ADAM metallopeptidase domain 17; minus strand), IAH1 (isoamyl acetate hydrolyzing esterase 1 (putative); plus strand). Cytogenetic location: 2p25.1.
Variant type: single nucleotide variant.
Coding change: c.2300G>A on transcript NM_003183.6 (MANE Select); coding-DNA position 2300, G replaced by A.
Protein change: p.Ser767Asn; replaces serine 767 with asparagine.
Molecular consequence: missense variant.
Genome position (GRCh38, 1-based): chr2:9,490,352, C>T on the plus strand (G>A on the coding strand, the complement: ADAM17 is on the minus strand). VCF-style: chr2-9490352-C-T. GRCh37 (hg19) VCF-style: chr2-9630481-C-T.
Other names: c.2300G>A, p.Ser767Asn (LRG_1203t1); c.2300G>A (NM_003183.4); short protein forms S767N.
Identifiers: ClinVar variation 575937 (VCV000575937.10), dbSNP rs751381392, ClinGen allele CA1523243.

ClinVar aggregate classification (germline): Uncertain significance. Review status: criteria provided, multiple submitters, no conflicts (2 of 4 stars). 2 submissions from 2 submitters: Uncertain significance (2). Last evaluated 2024-05-02.

Conditions:
Inborn genetic diseases. Identifiers: MedGen C0950123, MeSH D030342.
Inflammatory skin and bowel disease, neonatal, 1. Identifiers: Orphanet 294023, MedGen C3280501, MONDO:0013693, OMIM 614328.

Allele frequency attached by ClinVar (database versions not stated): ExAC 0.00001; gnomAD 0.00001; gnomAD exomes 0.00002 and 0.00003; TOPMed 0.00003.
gnomAD v4.1: 53 of 1,614,020 alleles (0.0033%); highest among the groups gnomAD compares: Non-Finnish European, 0.0043%; no homozygotes.

Submissions (2):

Ambry Genetics
Classification: Uncertain significance for Inborn genetic diseases. Last evaluated: 2024-05-02. Review status: criteria provided, single submitter. Criteria: Ambry Variant Classification Scheme 2023. Collection method: clinical testing. Allele origin: germline.

Labcorp Genetics (formerly Invitae), Labcorp
Classification: Uncertain significance for Inflammatory skin and bowel disease, neonatal, 1. Last evaluated: 2023-12-07. Review status: criteria provided, single submitter. Criteria: Invitae Variant Classification Sherloc (09022015). Collection method: clinical testing. Allele origin: germline.
Comment: This sequence change replaces serine, which is neutral and polar, with asparagine, which is neutral and polar, at codon 767 of the ADAM17 protein (p.Ser767Asn). This variant is present in population databases (rs751381392, gnomAD 0.004%). This variant has not been reported in the literature in individuals affected with ADAM17-related conditions. ClinVar contains an entry for this variant (Variation ID: 575937). An algorithm developed to predict the effect of missense changes on protein structure and function (PolyPhen-2) suggests that this variant¬†is likely to be tolerated. In summary, the available evidence is currently insufficient to determine the role of this variant in disease. Therefore, it has been classified as a Variant of Uncertain Significance.